The following is an entry in ClinVar:

ClinVar aggregate classification (germline): Uncertain significance (1 of 4 stars; one submission).

Conditions:
Neurodevelopmental disorder with hypotonia, impaired language, and dysmorphic features. Also called: Intellectual disability, autosomal dominant 40. Identifiers: Orphanet 692193, MedGen C5676894, MONDO:0014699, OMIM 616579.

Allele frequency attached by ClinVar (database versions not stated): gnomAD exomes 0.00001.

Submission:

Centre for Mendelian Genomics, University Medical Centre Ljubljana
Classification: Uncertain significance for Neurodevelopmental disorder with hypotonia, impaired language, and dysmorphic features. Last evaluated: 2020-01-28. Review status: criteria provided, single submitter. Criteria: ACMG Guidelines, 2015. Collection method: clinical testing. Allele origin: unknown. Affected: yes.
Comment: This variant was classified as: Uncertain significance. The available evidence on this variant's pathogenicity is insufficient or conflicting. The following ACMG criteria were applied in classifying this variant: No criteria apply.

NM_032436.4(CHAMP1):c.1339G>T (p.Asp447Tyr)

Gene: CHAMP1 (chromosome alignment maintaining phosphoprotein 1; plus strand). Cytogenetic location: 13q34.
Variant type: single nucleotide variant.
Coding change: c.1339G>T on transcript NM_032436.4 (MANE Select); coding-DNA position 1339, G replaced by T.
Protein change: p.Asp447Tyr; replaces aspartic acid 447 with tyrosine.
Molecular consequence: missense variant.
Genome position (GRCh38, 1-based): chr13:114,325,181, G>T. VCF-style: chr13-114325181-G-T. GRCh37 (hg19) VCF-style: chr13-115090656-G-T.
Other names: c.1339G>T, p.Asp447Tyr (NM_001164144.3, NM_001164145.3); short protein forms D447Y.
Identifiers: ClinVar variation 930705 (VCV000930705.3), dbSNP rs1555379738, ClinGen allele CA388848465.